The following is an entry in ClinVar:

NM_001220.5(CAMK2B):c.1423C>G (p.Pro475Ala)

Gene: CAMK2B (calcium/calmodulin dependent protein kinase II beta; minus strand). Cytogenetic location: 7p13.
Variant type: single nucleotide variant.
Coding change: c.1423C>G on transcript NM_001220.5 (MANE Select); coding-DNA position 1423, C replaced by G.
Protein change: p.Pro475Ala; replaces proline 475 with alanine.
Molecular consequence: missense variant. On other transcripts: intron variant (8).
Genome position (GRCh38, 1-based): chr7:44,228,841, G>C on the plus strand (C>G on the coding strand, the complement: CAMK2B is on the minus strand). VCF-style: chr7-44228841-G-C. GRCh37 (hg19) VCF-style: chr7-44268440-G-C.
Other names: c.1423C>G (NM_001220.4); c.947-7940C>G (NM_172084.3); c.1150+2165C>G (NM_172080.3); c.1036+2165C>G (NM_172083.3); c.1108+2165C>G (NM_172081.3); c.1153+2165C>G (NM_172079.3, NM_172082.3); c.1225+2165C>G (NM_001293170.2, NM_172078.3); short protein forms P475A.
Identifiers: ClinVar variation 1486570 (VCV001486570.7), dbSNP rs1252609453, ClinGen allele CA367373029.

ClinVar aggregate classification (germline): Conflicting classifications of pathogenicity. Review status: criteria provided, conflicting classifications (1 of 4 stars). 2 submissions from 2 submitters: Uncertain significance (1); Likely benign (1). Last evaluated 2024-12-10.

Conditions:
Inborn genetic diseases. Identifiers: MedGen C0950123, MeSH D030342.

Allele frequency attached by ClinVar (database versions not stated): gnomAD 0.00001; TOPMed 0.00002.
gnomAD v4.1: 12 of 1,499,816 alleles (0.0008%); highest among the groups gnomAD compares: Non-Finnish European, 0.00062%; no homozygotes.

Submissions (2):

Ambry Genetics
Classification: Likely benign for Inborn genetic diseases. Last evaluated: 2024-12-10. Review status: criteria provided, single submitter. Criteria: Ambry Variant Classification Scheme 2023. Collection method: clinical testing. Allele origin: germline.

Labcorp Genetics (formerly Invitae), Labcorp
Classification: Uncertain significance. Last evaluated: 2024-08-14. Review status: criteria provided, single submitter. Criteria: Invitae Variant Classification Sherloc (09022015). Collection method: clinical testing. Allele origin: germline.
Comment: This sequence change replaces proline, which is neutral and non-polar, with alanine, which is neutral and non-polar, at codon 475 of the CAMK2B protein (p.Pro475Ala). This variant is present in population databases (no rsID available, gnomAD no frequency). This variant has not been reported in the literature in individuals affected with CAMK2B-related conditions. ClinVar contains an entry for this variant (Variation ID: 1486570). An algorithm developed to predict the effect of missense changes on protein structure and function (PolyPhen-2) suggests that this variant is likely to be tolerated. In summary, the available evidence is currently insufficient to determine the role of this variant in disease. Therefore, it has been classified as a Variant of Uncertain Significance.